The following is an entry in ClinVar:

ClinVar aggregate classification (germline): not provided (0 of 4 stars; one submission).

Conditions:
Preeclampsia. Identifiers: Orphanet 275555, MedGen C0032914, MONDO:0005081, HP:0100602.

Submission:

Institute of Molecular and Cell Biology, University of Tartu
No classification provided. Condition: Preeclampsia. Review status: no classification provided. Collection method: case-control. Allele origin: unknown. Affected: yes. Study: Kasak2014.
Comment: The study aimed to determine the contribution of copy number variants in the genetic etiology of normal and complicated pregnancies. The samples represented (i) maternal blood DNA drawn from healthy pregnant women during 1st or 2nd trimester and (ii) maternal and paternal blood DNA drawn at term pregnancy cases representing normal and complicated gestations (severe preeclampsia, PE; gestational diabetes, GD; small-for-gestational age newborn, SGA; large-for-gestational age newborn, LGA). We performed CNV calling based on genome-wide genotyping dataset (Illumina HumanOmniExpress-24-v1 BeadChip) by applying three algorithms, QuantiSNP, GADA (Genome Alteration Detection Algorithm) and CNstream in parallel. The acquired CNV calls were merged with HD-CNV (Hotspot Detector for Copy Number Variants) program and only the CNVs predicted by at least two programs, were considered in subsequent analysis.

Literature cited by the submitters: PubMed 25666259.

Single allele

Genes: LOC126860321 (CDK7 strongly-dependent group 2 enhancer GRCh37_chr8:21024826-21026025; plus strand), LOC129999959 (ATAC-STARR-seq lymphoblastoid active region 27066; plus strand). Cytogenetic location: 8p21.3.
Variant type: Deletion.
Identifiers: ClinVar variation 157112 (VCV000157112.2).